The following is an entry in ClinVar:

ClinVar aggregate classification (germline): drug response. Review status: reviewed by expert panel (3 of 4 stars). 7 submissions from 6 submitters: drug response (2). 5 of the submissions do not count toward it. Last evaluated 2021-03-24.

Conditions:
DPYD-related disorder. Also called: DPYD-related condition.
fluorouracil response - Other.
fluorouracil response - Toxicity.
Dihydropyrimidine dehydrogenase deficiency (DPYDD). Also called: DPD DEFICIENCY; DPYD DEFICIENCY; Hereditary Thymine-Uraciluria. Identifiers: Orphanet 1675, MedGen C1959620, MONDO:0010130, OMIM 274270.

Allele frequency attached by ClinVar (database versions not stated): gnomAD exomes 0.00005 and 0.00014; gnomAD 0.00006; TOPMed 0.00008; ExAC 0.00014; 1000 Genomes Project 30x 0.00016; 1000 Genomes Project 0.00020.
gnomAD v4.1: 85 of 1,613,678 alleles (0.0053%); highest among the groups gnomAD compares: East Asian, 0.085%; no homozygotes.

Submissions (7):

ClinPGx
Classification: drug response for fluorouracil response - Other. Last evaluated: 2021-03-24. Review status: reviewed by expert panel. Criteria: Pharmacogenomics knowledge for personalized medicine. Collection method: curation. Allele origin: germline. Affected: yes.
Comment: PharmGKB Level of Evidence 1A: Level 1A clinical annotations describe variant-drug combinations that have variant-specific prescribing guidance available in a current clinical guideline annotation or an FDA-approved drug label annotation. Annotations of drug labels or clinical guidelines must give prescribing guidance for specific variants (e.g. CYP2C9*3, HLA-B*57:01) or provide mapping from defined allele functions to diplotypes and phenotypes to be used as supporting evidence for a level 1A clinical annotation. Level 1A clinical annotations must also be supported by at least one publication in addition to a clinical guideline or drug label with variant-specific prescribing guidance.

ClinPGx
Classification: drug response for fluorouracil response - Toxicity. Last evaluated: 2021-03-24. Review status: reviewed by expert panel. Criteria: Pharmacogenomics knowledge for personalized medicine. Collection method: curation. Allele origin: germline. Affected: yes.
Comment: PharmGKB Level of Evidence 1A: Level 1A clinical annotations describe variant-drug combinations that have variant-specific prescribing guidance available in a current clinical guideline annotation or an FDA-approved drug label annotation. Annotations of drug labels or clinical guidelines must give prescribing guidance for specific variants (e.g. CYP2C9*3, HLA-B*57:01) or provide mapping from defined allele functions to diplotypes and phenotypes to be used as supporting evidence for a level 1A clinical annotation. Level 1A clinical annotations must also be supported by at least one publication in addition to a clinical guideline or drug label with variant-specific prescribing guidance.

Drug is not necessarily used to treat response condition

PreventionGenetics, part of Exact Sciences
Classification: Likely pathogenic for DPYD-related condition. Last evaluated: 2026-03-14. Review status: criteria provided, single submitter. Criteria: ACMG Guidelines, 2015. Collection method: clinical testing. Allele origin: germline. Not counted in ClinVar's aggregate classification.
Comment: The DPYD c.1774C>T variant is predicted to result in the amino acid substitution p.Arg592Trp. This variant has been reported in individuals with dihydropyrimidine dehydrogenase deficiency/epileptic encephalopathies/neurological disorders (Maekawa et al. 2007. PubMed ID: 17828463; Hishinuma et al. 2018. PubMed ID: 29769267; Table 4, Jiao et al. 2019. PubMed ID: 30945278; Table 2, Sun et al. 2021. PubMed ID: 34055682). Functional studies suggest that the p.Arg592Trp variant impacts the normal DPYD protein function (Figure 2, Offer et al. 2014. PubMed ID: 24648345; Hishinuma et al. 2018. PubMed ID: 29769267). This variant is reported in 0.18% of alleles in individuals of East Asian descent in gnomAD. Taken together, this variant is interpreted as likely pathogenic.

Women's Health and Genetics/Laboratory Corporation of America, LabCorp
Classification: Uncertain significance. Last evaluated: 2024-11-27. Review status: criteria provided, single submitter. Criteria: LabCorp Variant Classification Summary - May 2015. Collection method: clinical testing. Allele origin: germline. Not counted in ClinVar's aggregate classification.
Comment: Variant summary: DPYD c.1774C>T (p.Arg592Trp) results in a non-conservative amino acid change located in the Dihydroorotate dehydrogenase domain (IPR005720) of the encoded protein sequence. Five of five in-silico tools predict a damaging effect of the variant on protein function. The variant allele was found at a frequency of 0.00014 in 251054 control chromosomes, predominantly at a frequency of 0.0017 within the East Asian subpopulation in the gnomAD database. This frequency is not significantly higher than estimated for a pathogenic variant in DPYD causing Dihydropyrimidine Dehydrogenase Deficiency (0.00014 vs 0.0025), allowing no conclusion about variant significance. c.1774C>T has been reported in the literature in at-least one individual who experienced grade 4 toxicity after receiving 5-FU and as a compound heterozygous genotype in at-least one individual with early infantile epileptic seizures (Cho_2007, Jiao_2019, Sun_2021). It has also been listed in the Dutch Pharmacogenetics Working Group (DPWG) guideline for the genedrug interaction of DPYD and fluoropyrimidines and in the Clinical Pharmacogenetics Implementation Consortium (CPIC) Guideline as having " insufficient/weak evidence" citing overlapping but not identical references captured in this evaluation. These data do not allow any conclusion about variant significance. At least two publications report experimental evidence evaluating an impact on protein function (Offer_2014, Hishinuma_2018). The most pronounced variant effect results in little or no DPYD enzyme activity (<10% of normal) in-vitro. ClinVar contains an entry for this variant (Variation ID: 282919). Based on the evidence outlined above, the variant was classified as VUS-possibly pathogenic.

Illumina Laboratory Services, Illumina
Classification: Uncertain significance for Dihydropyrimidine dehydrogenase deficiency. Last evaluated: 2017-10-10. Review status: criteria provided, single submitter. Criteria: ICSL Variant Classification Criteria 13 December 2019. Collection method: clinical testing. Allele origin: germline. Not counted in ClinVar's aggregate classification.
Comment: This variant was observed as part of a predisposition screen in an ostensibly healthy population. A literature search was performed for the gene, cDNA change, and amino acid change (where applicable). Publications were found based on this search. However, the evidence from the literature, in combination with allele frequency data from public databases where available, was not sufficient to rule this variant in or out of causing disease. Therefore, this variant is classified as a variant of unknown significance.

Eurofins Ntd Llc (ga)
Classification: Uncertain significance. Last evaluated: 2015-08-30. Review status: criteria provided, single submitter. Criteria: EGL Classification Definitions 2015. Collection method: clinical testing. Allele origin: germline. Observed: 1 variant allele, 1 heterozygote. Not counted in ClinVar's aggregate classification.

Baylor Genetics
Classification: Uncertain significance for Dihydropyrimidine dehydrogenase deficiency. Last evaluated: 2021-01-12. Review status: no assertion criteria provided. Collection method: clinical testing. Allele origin: unknown. Not counted in ClinVar's aggregate classification.

Literature cited by the submitters: PubMed 24648345 (cited by 4 submitters); PubMed 29769267 (cited by 3 submitters); PubMed 17417073 (cited by 3 submitters); PubMed 31745289 (cited by Women's Health and Genetics/Laboratory Corporation of America, LabCorp); PubMed 29152729 (cited by Women's Health and Genetics/Laboratory Corporation of America, LabCorp); PubMed 30945278 (cited by Women's Health and Genetics/Laboratory Corporation of America, LabCorp); PubMed 34055682 (cited by Women's Health and Genetics/Laboratory Corporation of America, LabCorp); PubMed 28481884 (cited by Illumina Laboratory Services, Illumina); PubMed 17828463 (cited by Illumina Laboratory Services, Illumina and Baylor Genetics); PubMed 26623034 (cited by Illumina Laboratory Services, Illumina); PubMed 27454530 (cited by Illumina Laboratory Services, Illumina); PubMed 22995991 (cited by Illumina Laboratory Services, Illumina and Baylor Genetics).

NM_000110.4(DPYD):c.1774C>T (p.Arg592Trp)

Gene: DPYD (dihydropyrimidine dehydrogenase; minus strand). Cytogenetic location: 1p21.3.
Variant type: single nucleotide variant.
Coding change: c.1774C>T on transcript NM_000110.4 (MANE Select); coding-DNA position 1774, C replaced by T.
Protein change: p.Arg592Trp; replaces arginine 592 with tryptophan.
Molecular consequence: missense variant.
Genome position (GRCh38, 1-based): chr1:97,450,190, G>A on the plus strand (C>T on the coding strand, the complement: DPYD is on the minus strand). VCF-style: chr1-97450190-G-A. GRCh37 (hg19) VCF-style: chr1-97915746-G-A.
Other names: short protein forms R592W.
Identifiers: ClinVar variation 282919 (VCV000282919.15), dbSNP rs59086055, ClinGen allele CA963238.
Genomic context (GRCh38, chr1:97,450,190, plus strand): 5'-GCTCAATATTCAGAAAGGAGCTTTGTCCAGGGCCATACATGGGGCCAGAGGTGGTTCCCC[G>A]GATGATTCTGGGGGAAACATTTGTCACAATGTCCTGATGAAAGAGTAAAGATATTGAGTC-3'
Protein context (NP_000101.2, residues 582-602): IVTNVSPRII[Arg592Trp]GTTSGPMYGP